The following is an entry in ClinVar:

ClinVar aggregate classification (germline): Benign (0 of 4 stars; one submission).

Conditions:
SAGE1-related disorder. Also called: SAGE1-related condition.

Allele frequency attached by ClinVar (database versions not stated): gnomAD exomes 0.00032; ExAC 0.00115; TOPMed 0.00307; ESP Exome Variant Server 0.00379; 1000 Genomes Project 30x 0.00458; 1000 Genomes Project 0.00503.
gnomAD v4.1: 695 of 1,207,966 alleles (0.058%); highest among the groups gnomAD compares: African/African-American, 1%; no homozygotes.

Submission:

PreventionGenetics, part of Exact Sciences
Classification: Benign for SAGE1-related condition. Last evaluated: 2019-03-21. Review status: no assertion criteria provided. Collection method: clinical testing. Allele origin: germline.
Comment: This variant is classified as benign based on ACMG/AMP sequence variant interpretation guidelines (Richards et al. 2015 PMID: 25741868, with internal and published modifications).

NM_001381902.1(SAGE1):c.802A>T (p.Ile268Phe)

Gene: SAGE1 (sarcoma antigen 1; plus strand). Cytogenetic location: Xq26.3.
Variant type: single nucleotide variant.
Coding change: c.802A>T on transcript NM_001381902.1 (MANE Select); coding-DNA position 802, A replaced by T.
Protein change: p.Ile268Phe; replaces isoleucine 268 with phenylalanine.
Molecular consequence: missense variant.
Genome position (GRCh38, 1-based): chrX:135,906,991, A>T. VCF-style: chrX-135906991-A-T. GRCh37 (hg19) VCF-style: chrX-134989150-A-T.
Other names: c.802A>T, p.Ile268Phe (NM_018666.3); short protein forms I268F.
Identifiers: ClinVar variation 3049140 (VCV003049140.2), dbSNP rs77252560, ClinGen allele CA10524012.
Genomic context (GRCh38, chrX:135,906,991, plus strand): 5'-ACCATCACTTACAATGTCCCTGAGGAGAAGATGGAAAAGGGCCAACCCCAACCTGATAAC[A>T]TCTTGTCAACTGCTTCAACAGGGCTTATTAATGTGGCAGGAGCTGGTACTCCAGCCATCA-3'
Protein context (NP_001368831.1, residues 258-278): MEKGQPQPDN[Ile268Phe]LSTASTGLIN